The following is an entry in ClinVar:

ClinVar aggregate classification (germline): Uncertain significance (1 of 4 stars; one submission).

Conditions:
Joubert syndrome. Also called: CEREBELLOPARENCHYMAL DISORDER IV; JOUBERT-BOLTSHAUSER SYNDROME; Familial aplasia of the vermis. Identifiers: Orphanet 475, MedGen C5979921, MONDO:0018772.
Meckel-Gruber syndrome. Also called: DYSENCEPHALIA SPLANCHNOCYSTICA; GRUBER SYNDROME; Dysencephalia splachnocystica. Identifiers: Orphanet 564, MedGen C0265215, MONDO:0018921.

Allele frequency attached by ClinVar (database versions not stated): gnomAD exomes 0.00500.

Submissions (2):

Labcorp Genetics (formerly Invitae), Labcorp
Classification: Uncertain significance for Joubert syndrome; Meckel-Gruber syndrome. Last evaluated: 2022-12-20. Review status: criteria provided, single submitter. Criteria: Invitae Variant Classification Sherloc (09022015). Collection method: clinical testing. Allele origin: germline.
Comment: This variant has not been reported in the literature in individuals affected with RPGRIP1L-related conditions. The frequency data for this variant in the population databases is considered unreliable, as metrics indicate poor data quality at this position in the gnomAD database. This sequence change falls in intron 22 of the RPGRIP1L gene. It does not directly change the encoded amino acid sequence of the RPGRIP1L protein. In summary, the available evidence is currently insufficient to determine the role of this variant in disease. Therefore, it has been classified as a Variant of Uncertain Significance. Algorithms developed to predict the effect of sequence changes on RNA splicing suggest that this variant may disrupt the consensus splice site.

Dr. Peter K. Rogan Lab, Western University
No classification provided (evidence only). Condition: Ovarian serous cystadenocarcinoma. Review status: no classification provided. Collection method: in vitro. Allele origin: not applicable. Functional consequence: retained intron. Not counted in ClinVar's aggregate classification.

NM_015272.5(RPGRIP1L):c.3295-7G>T

Gene: RPGRIP1L (RPGRIP1 like; minus strand). Cytogenetic location: 16q12.2.
Variant type: single nucleotide variant.
Coding change: c.3295-7G>T on transcript NM_015272.5 (MANE Select); 7 bases into the intron before coding-DNA position 3295, G replaced by T.
Molecular consequence: intron variant.
Genome position (GRCh38, 1-based): chr16:53,622,363, C>A on the plus strand (G>T on the coding strand, the complement: RPGRIP1L is on the minus strand). VCF-style: chr16-53622363-C-A. GRCh37 (hg19) VCF-style: chr16-53656275-C-A.
Other names: c.3193-3155G>T (NM_001127897.4); c.3193-7G>T (NM_001330538.2); c.3295-3155G>T (NM_001308334.3).
Identifiers: ClinVar variation 2944590 (VCV002944590.4), dbSNP rs1159921487, ClinGen allele CA622262968.